The following is an entry in ClinVar:

ClinVar aggregate classification (germline): Uncertain significance (1 of 4 stars; one submission).

gnomAD v4.1: 1 of 1,608,784 alleles (0.000062%); highest among the groups gnomAD compares: Non-Finnish European, 0.000085%; no homozygotes.

Submission:

Ambry Genetics
Classification: Uncertain significance. Last evaluated: 2024-08-07. Review status: criteria provided, single submitter. Criteria: Ambry Variant Classification Scheme 2023. Collection method: clinical testing. Allele origin: germline.
Comment: The p.I1353V variant (also known as c.4057A>G), located in coding exon 27 of the MYOM1 gene, results from an A to G substitution at nucleotide position 4057. The isoleucine at codon 1353 is replaced by valine, an amino acid with highly similar properties. This amino acid position is conserved. In addition, this alteration is predicted to be tolerated by in silico analysis. Based on the available evidence, the clinical significance of this variant remains unclear.

NM_003803.4(MYOM1):c.4057A>G (p.Ile1353Val)

Gene: MYOM1 (myomesin 1; minus strand). Cytogenetic location: 18p11.31.
Variant type: single nucleotide variant.
Coding change: c.4057A>G on transcript NM_003803.4 (MANE Select); coding-DNA position 4057, A replaced by G.
Protein change: p.Ile1353Val; replaces isoleucine 1353 with valine.
Molecular consequence: missense variant.
Genome position (GRCh38, 1-based): chr18:3,089,549, T>C on the plus strand (A>G on the coding strand, the complement: MYOM1 is on the minus strand). VCF-style: chr18-3089549-T-C. GRCh37 (hg19) VCF-style: chr18-3089547-T-C.
Other names: c.3769A>G, p.Ile1257Val (NM_019856.2); short protein forms I1257V, I1353V.
Identifiers: ClinVar variation 3168173 (VCV003168173.2), dbSNP rs2510505672, ClinGen allele CA401712019.